The following is an entry in ClinVar:

NM_000271.5(NPC1):c.2246-1G>A

Gene: NPC1 (NPC intracellular cholesterol transporter 1; minus strand). Cytogenetic location: 18q11.2.
Variant type: single nucleotide variant.
Coding change: c.2246-1G>A on transcript NM_000271.5 (MANE Select); the canonical splice acceptor site of the intron before coding-DNA position 2246, G replaced by A.
Molecular consequence: splice acceptor variant.
Genome position (GRCh38, 1-based): chr18:23,541,434, C>T on the plus strand (G>A on the coding strand, the complement: NPC1 is on the minus strand). VCF-style: chr18-23541434-C-T. GRCh37 (hg19) VCF-style: chr18-21121398-C-T.
Identifiers: ClinVar variation 2573109 (VCV002573109.1), dbSNP rs2511223044, ClinGen allele CA401793851.
Genomic context (GRCh38, chr18:23,541,434, plus strand): 5'-AGACTGCCAATCCCGCAAAGAGAGAGAAGGTGTGCACGGCTGGCATCACGGACAATGCTC[C>T]TGTCGGGGAGAGAAGGGCTCTGCGTCACTTCTGTTTACAGCCGGGGGCTCTCTGCAGGTC-3'

ClinVar aggregate classification (germline): Likely pathogenic (1 of 4 stars; one submission).

Conditions:
Niemann-Pick disease, type C1. Also called: NEUROVISCERAL STORAGE DISEASE WITH VERTICAL SUPRANUCLEAR OPHTHALMOPLEGIA; NIEMANN-PICK DISEASE WITH CHOLESTEROL ESTERIFICATION BLOCK; NIEMANN-PICK DISEASE WITHOUT SPHINGOMYELINASE DEFICIENCY; NIEMANN-PICK DISEASE, CHRONIC NEURONOPATHIC FORM; NIEMANN-PICK DISEASE, VARIANT TYPE C1. Identifiers: Orphanet 646, MedGen C3179455, MONDO:0009757, OMIM 257220.

Submission:

Illumina Laboratory Services, Illumina
Classification: Likely pathogenic for Niemann-Pick disease, type C1. Last evaluated: 2023-05-01. Review status: criteria provided, single submitter. Criteria: ICSLVariantClassificationCriteria RUGD 01 April 2020. Collection method: clinical testing. Allele origin: unknown.
Comment: The NPC1 c.2246-1G>A variant results in a substitution at the consensus splice acceptor site, which may result in splicing defects and disrupt the critical sterol-sensing domain of the protein (PMID: 33021976). To our knowledge, this variant has not been reported in the peer-reviewed literature. This variant is not observed in version 2.1.1 or version 3.1.2 of the Genome Aggregation Database. Based on the available evidence, the c.2246-1G>A variant is classified as likely pathogenic for Niemann-Pick disease.

Literature cited by the submitters: PubMed 33021976.